The following is an entry in ClinVar:

NM_021625.5(TRPV4):c.660C>T (p.Thr220=)

Gene: TRPV4 (transient receptor potential cation channel subfamily V member 4; minus strand). Cytogenetic location: 12q24.11.
Variant type: single nucleotide variant.
Coding change: c.660C>T on transcript NM_021625.5 (MANE Select); coding-DNA position 660, C replaced by T.
Protein change: p.Thr220=; no amino-acid change (threonine 220 retained).
Molecular consequence: synonymous variant.
Genome position (GRCh38, 1-based): chr12:109,803,043, G>A on the plus strand (C>T on the coding strand, the complement: TRPV4 is on the minus strand). VCF-style: chr12-109803043-G-A. GRCh37 (hg19) VCF-style: chr12-110240848-G-A.
Other names: c.660C>T, p.Thr220= (NM_001177428.2, NM_001177433.2, NM_147204.3); c.558C>T, p.Thr186= (NM_001177431.2).
Identifiers: ClinVar variation 704474 (VCV000704474.11), dbSNP rs139983004, ClinGen allele CA6780480.

ClinVar aggregate classification (germline): Likely benign. Review status: criteria provided, multiple submitters, no conflicts (2 of 4 stars). 4 submissions from 4 submitters: Likely benign (4). Last evaluated 2026-06-24.

Conditions:
TRPV4-related disorder. Also called: TRPV4-related condition; TRPV4-related disorders.
Charcot-Marie-Tooth disease axonal type 2C (HMSN2C). Also called: Charcot-Marie-Tooth Disease Type 2, TRPV4-Related (CMT2C); CHARCOT-MARIE-TOOTH DISEASE, AXONAL, AUTOSOMAL DOMINANT, TYPE 2C; Charcot-Marie-Tooth Neuropathy Type 2C. Identifiers: Orphanet 99937, MedGen C1853710, MONDO:0011633, OMIM 606071.

Allele frequency attached by ClinVar (database versions not stated): gnomAD 0.00001; gnomAD exomes 0.00001 and 0.00002; ExAC 0.00002; TOPMed 0.00003; ESP Exome Variant Server 0.00008.
gnomAD v4.1: 23 of 1,614,152 alleles (0.0014%); highest among the groups gnomAD compares: East Asian, 0.0067%; no homozygotes.

Submissions (4):

PreventionGenetics, part of Exact Sciences
Classification: Likely benign for TRPV4-related condition. Last evaluated: 2026-06-24. Review status: criteria provided, single submitter. Criteria: ACMG Guidelines, 2015. Collection method: clinical testing. Allele origin: germline.
Comment: This variant is classified as likely benign based on ACMG/AMP sequence variant interpretation guidelines (Richards et al. 2015 PMID: 25741868, with internal and published modifications).

Labcorp Genetics (formerly Invitae), Labcorp
Classification: Likely benign for Charcot-Marie-Tooth disease axonal type 2C. Last evaluated: 2025-04-13. Review status: criteria provided, single submitter. Criteria: Invitae Variant Classification Sherloc (09022015). Collection method: clinical testing. Allele origin: germline.

Blueprint Genetics
Classification: Likely benign. Last evaluated: 2024-10-21. Review status: criteria provided, single submitter. Criteria: ACMG Guidelines, 2015. Collection method: clinical testing. Allele origin: germline.

ARUP Laboratories, Molecular Genetics and Genomics, ARUP Laboratories
Classification: Likely benign. Last evaluated: 2024-03-19. Review status: criteria provided, single submitter. Criteria: ARUP Molecular Germline Variant Investigation Process 2024. Collection method: clinical testing. Allele origin: germline.